The following is an entry in ClinVar:

NC_000003.12:g.169764967G>A

Genes: TERC (telomerase RNA component; minus strand), LOC110806306 (telomerase RNA component (TERC) promoter; plus strand). Cytogenetic location: 3q26.2.
Variant type: single nucleotide variant.
Genome position: GRCh38 VCF-style: chr3-169764967-G-A. GRCh37 (hg19) VCF-style: chr3-169482755-G-A.
Identifiers: ClinVar variation 957896 (VCV000957896.7), dbSNP rs1212628582, ClinGen allele CA436715822.
Genomic context (GRCh38, chr3:169,764,967, plus strand): 5'-ACGGTGGAAGGCGGCAGGCCGAGGCTTTTCCGCCCGCTGAAAGTCAGCGAGAAAAACAGC[G>A]CGCGGGGAGCAAAAGCACGGCGCCTACGCCCTTCTCAGTTAGGGTTAGACAAAAAATGGC-3'

ClinVar aggregate classification (germline): Uncertain significance (1 of 4 stars; one submission).

Conditions:
Dyskeratosis congenita, autosomal dominant 1 (DKCA1). Also called: Dyskeratosis congenita Scoggins type. Identifiers: Orphanet 1775, MedGen C4551974, MONDO:0007485, OMIM 127550. Inheritance: Variable.

Allele frequency attached by ClinVar (database versions not stated): gnomAD exomes below 0.00001; TOPMed 0.00001.
gnomAD v4.1: 1 of 765,498 alleles (0.00013%); highest among the groups gnomAD compares: Admixed American, 0.0017%; no homozygotes.

Submission:

Labcorp Genetics (formerly Invitae), Labcorp
Classification: Uncertain significance for Dyskeratosis congenita, autosomal dominant 1. Last evaluated: 2024-11-18. Review status: criteria provided, single submitter. Criteria: Invitae Variant Classification Sherloc (09022015). Collection method: clinical testing. Allele origin: germline.
Comment: This variant occurs in the TERC gene, which encodes an RNA molecule that does not result in a protein product. This variant is not present in population databases (gnomAD no frequency). This variant has not been reported in the literature in individuals affected with TERC-related conditions. ClinVar contains an entry for this variant (Variation ID: 957896). This variant is located within the template/pseudoknot domain of the TERC RNA component, which is required for RNA or RNP stability (PMID: 15082312, 21844345). This variant is located in a region of TERC in which a significant number of disease causing variants have been reported (PMID: 15082312, 21844345, 21931702). These observations suggest that this may be a clinically significant region. In summary, the available evidence is currently insufficient to determine the role of this variant in disease. Therefore, it has been classified as a Variant of Uncertain Significance.

Literature cited by the submitters: PubMed 15082312; PubMed 21844345; PubMed 21931702.